The following is an entry in ClinVar:

ClinVar aggregate classification (germline): Benign (0 of 4 stars; one submission).

Conditions:
FZD6-related disorder. Also called: FZD6-related condition.

Allele frequency attached by ClinVar (database versions not stated): TOPMed 0.00362; ESP Exome Variant Server 0.00369; gnomAD exomes 0.00032; ExAC 0.00096; 1000 Genomes Project 0.00220; 1000 Genomes Project 30x 0.00265; gnomAD 0.00283.
gnomAD v4.1: 899 of 1,614,018 alleles (0.056%); highest among the groups gnomAD compares: African/African-American, 1.1%; 6 homozygotes.

Submission:

PreventionGenetics, part of Exact Sciences
Classification: Benign for FZD6-related condition. Last evaluated: 2020-01-27. Review status: no assertion criteria provided. Collection method: clinical testing. Allele origin: germline.
Comment: This variant is classified as benign based on ACMG/AMP sequence variant interpretation guidelines (Richards et al. 2015 PMID: 25741868, with internal and published modifications).

NM_003506.4(FZD6):c.1272T>C (p.Tyr424=)

Gene: FZD6 (frizzled class receptor 6; plus strand). Cytogenetic location: 8q22.3.
Variant type: single nucleotide variant.
Coding change: c.1272T>C on transcript NM_003506.4 (MANE Select); coding-DNA position 1272, T replaced by C.
Protein change: p.Tyr424=; no amino-acid change (tyrosine 424 retained).
Molecular consequence: synonymous variant. On other transcripts: non-coding transcript variant (1).
Genome position (GRCh38, 1-based): chr8:103,325,378, T>C. VCF-style: chr8-103325378-T-C. GRCh37 (hg19) VCF-style: chr8-104337606-T-C.
Other names: c.1272T>C, p.Tyr424= (NM_001164615.2); c.1176T>C, p.Tyr392= (NM_001164616.2); c.357T>C, p.Tyr119= (NM_001317796.2).
Identifiers: ClinVar variation 3050918 (VCV003050918.2), dbSNP rs147804869, ClinGen allele CA4834913.
Genomic context (GRCh38, chr8:103,325,378, plus strand): 5'-CCGGAACCAAGAAAAACTAAAGAAATTTATGATTCGAATTGGAGTCTTCAGCGGCTTGTA[T>C]CTTGTGCCATTAGTGACACTTCTCGGATGTTACGTCTATGAGCAAGTGAACAGGATTACC-3'
Protein context (NP_003497.2, residues 414-434): MIRIGVFSGL[Tyr424=]LVPLVTLLGC